The following is an entry in ClinVar:

NM_000053.4(ATP7B):c.3555C>T (p.Asp1185=)

Gene: ATP7B (ATPase copper transporting beta; minus strand). Cytogenetic location: 13q14.3.
Variant type: single nucleotide variant.
Coding change: c.3555C>T on transcript NM_000053.4 (MANE Select); coding-DNA position 3555, C replaced by T.
Protein change: p.Asp1185=; no amino-acid change (aspartic acid 1185 retained).
Molecular consequence: synonymous variant. On other transcripts: intron variant (2).
Genome position (GRCh38, 1-based): chr13:51,941,082, G>A on the plus strand (C>T on the coding strand, the complement: ATP7B is on the minus strand). VCF-style: chr13-51941082-G-A. GRCh37 (hg19) VCF-style: chr13-52515218-G-A.
Other names: c.2934C>T, p.Asp978= (NM_001005918.3); c.3222C>T, p.Asp1074= (NM_001243182.2); c.3321C>T, p.Asp1107= (NM_001330578.2, NM_001406527.1, NM_001406528.1); c.3303C>T, p.Asp1101= (NM_001330579.2, NM_001406531.1, NM_001406532.1); c.3555C>T, p.Asp1185= (NM_001406511.1, NM_001406512.1, NM_001406526.1); c.3549C>T, p.Asp1183= (NM_001406513.1); c.3522C>T, p.Asp1174= (NM_001406514.1); c.3501C>T, p.Asp1167= (NM_001406515.1, NM_001406516.1); and 20 more.
Identifiers: ClinVar variation 2169725 (VCV002169725.2), dbSNP rs756751716, ClinGen allele CA6988664.

ClinVar aggregate classification (germline): Conflicting classifications of pathogenicity. Review status: criteria provided, conflicting classifications (1 of 4 stars). 2 submissions from 2 submitters: Uncertain significance (1); Likely benign (1). Last evaluated 2022-08-23.

Conditions:
Wilson disease (WND). Also called: Wilson's disease. Identifiers: Orphanet 905, MedGen C0019202, MONDO:0010200, OMIM 277900. Disease mechanism: loss of function.

Allele frequency attached by ClinVar (database versions not stated): gnomAD exomes 0.00001; ExAC 0.00002.
gnomAD v4.1: 20 of 1,614,196 alleles (0.0012%); highest among the groups gnomAD compares: Middle Eastern, 0.033%; no homozygotes.

Submissions (2):

Labcorp Genetics (formerly Invitae), Labcorp
Classification: Uncertain significance for Wilson disease. Last evaluated: 2022-08-23. Review status: criteria provided, single submitter. Criteria: Invitae Variant Classification Sherloc (09022015). Collection method: clinical testing. Allele origin: germline.
Comment: This sequence change affects codon 1185 of the ATP7B mRNA. It is a 'silent' change, meaning that it does not change the encoded amino acid sequence of the ATP7B protein. It affects a nucleotide within the consensus splice site. This variant is present in population databases (rs756751716, gnomAD 0.02%). This variant has not been reported in the literature in individuals affected with ATP7B-related conditions. Algorithms developed to predict the effect of sequence changes on RNA splicing suggest that this variant is not likely to affect RNA splicing. In summary, the available evidence is currently insufficient to determine the role of this variant in disease. Therefore, it has been classified as a Variant of Uncertain Significance.

Color Diagnostics, LLC DBA Color Health
Classification: Likely benign for Wilson disease. Last evaluated: 2022-08-05. Review status: criteria provided, single submitter. Criteria: ACMG Guidelines, 2015. Collection method: clinical testing. Allele origin: germline.